The following is an entry in ClinVar:

ClinVar aggregate classification (germline): Uncertain significance (1 of 4 stars; one submission).

Conditions:
Inborn genetic diseases. Identifiers: MedGen C0950123, MeSH D030342.

Allele frequency attached by ClinVar (database versions not stated): ExAC 0.00002; ESP Exome Variant Server 0.00008; 1000 Genomes Project 30x 0.00016; 1000 Genomes Project 0.00020.
gnomAD v4.1: 48 of 1,613,988 alleles (0.003%); highest among the groups gnomAD compares: African/African-American, 0.043%; no homozygotes.

Submission:

Ambry Genetics
Classification: Uncertain significance for Inborn genetic diseases. Last evaluated: 2022-04-18. Review status: criteria provided, single submitter. Criteria: Ambry Variant Classification Scheme 2023. Collection method: clinical testing. Allele origin: germline.
Comment: The c.468-3C>A intronic alteration consists of a C to A substitution 3 nucleotides before coding exon 6 in the TSHR gene. Based on insufficient or conflicting evidence, the clinical significance of this alteration remains unclear.

NM_000369.5(TSHR):c.468-3C>A

Genes: TSHR (thyroid stimulating hormone receptor; plus strand), TSHR-AS1 (TSHR antisense RNA 1; minus strand). Cytogenetic location: 14q31.1.
Variant type: single nucleotide variant.
Coding change: c.468-3C>A on transcript NM_000369.5 (MANE Select); 3 bases into the intron before coding-DNA position 468, C replaced by A.
Molecular consequence: intron variant.
Genome position (GRCh38, 1-based): chr14:81,092,528, C>A. VCF-style: chr14-81092528-C-A. GRCh37 (hg19) VCF-style: chr14-81558872-C-A.
Other names: c.468-3C>A (NM_001142626.3, NM_001018036.3).
Identifiers: ClinVar variation 2283090 (VCV002283090.2), dbSNP rs371708118, ClinGen allele CA7294159.